The following is an entry in ClinVar:

ClinVar aggregate classification (germline): Uncertain significance (1 of 4 stars; one submission).

Conditions:
Cognitive impairment with or without cerebellar ataxia (CIAT). Identifiers: MedGen C3280415, MONDO:0013680, OMIM 614306.

Submission:

3billion
Classification: Uncertain significance for Cognitive impairment with or without cerebellar ataxia. Last evaluated: 2022-01-03. Review status: criteria provided, single submitter. Criteria: ACMG Guidelines, 2015. Collection method: clinical testing. Allele origin: germline. Affected: yes. Observed: 1 heterozygote.
Comment: Frameshift: predicted to result in a loss or disruption of normal protein function through nonsense-mediated decay (NMD) or protein truncation. Multiple pathogenic variants are reported downstream of the variant. It is not observed in the gnomAD v2.1.1 database. However, the contribution of loss of function variants in SCN8A to Cognitive impairment with or without cerebellar ataxia is incompletely understood. Therefore, this variant is classified as uncertain significance according to the recommendation of ACMG/AMP guideline.

NM_001330260.2(SCN8A):c.825del (p.Asn276fs)

Gene: SCN8A (sodium voltage-gated channel alpha subunit 8; plus strand). Cytogenetic location: 12q13.13.
Variant type: Deletion.
Coding change: c.825del on transcript NM_001330260.2 (MANE Select); coding-DNA position 825, one base deleted (G; older notation c.825delG).
Protein change: p.Asn276fs; shifts the reading frame from asparagine 276.
Molecular consequence: frameshift variant.
Genome position (GRCh38, 1-based): chr12:51,699,688, G deleted; the last of 4 consecutive G bases (chr12:51,699,685-51,699,688); deleting any one gives the same sequence. VCF-style (leftmost placement, unchanged base first): chr12-51699684-TG-T. GRCh37 (hg19) VCF-style: chr12-52093468-TG-T.
Other names: c.825del, p.Asn276fs (NM_001177984.3, NM_001369788.1, NM_014191.4); short protein forms N276fs.
Identifiers: ClinVar variation 1333715 (VCV001333715.2), dbSNP rs2138735784, ClinGen allele CA2573053696.